The following is an entry in ClinVar:

NM_014629.4(ARHGEF10):c.1557+3A>C

Gene: ARHGEF10 (Rho guanine nucleotide exchange factor 10; plus strand). Cytogenetic location: 8p23.3.
Variant type: single nucleotide variant.
Coding change: c.1557+3A>C on transcript NM_014629.4 (MANE Select); 3 bases into the intron after coding-DNA position 1557, A replaced by C.
Molecular consequence: intron variant.
Genome position (GRCh38, 1-based): chr8:1,896,452, A>C. VCF-style: chr8-1896452-A-C. GRCh37 (hg19) VCF-style: chr8-1844618-A-C.
Other names: c.1443+3A>C (NM_001438092.1, NM_001308152.2, NM_001438094.1); c.1560+3A>C (NM_001438091.1, NM_001308153.3); c.1440+3A>C (NM_001438093.1).
Identifiers: ClinVar variation 2998339 (VCV002998339.3), dbSNP rs1809980580, ClinGen allele CA1109661560.

ClinVar aggregate classification (germline): Uncertain significance (1 of 4 stars; one submission).

Allele frequency attached by ClinVar (database versions not stated): gnomAD 0.00001.

Submission:

Labcorp Genetics (formerly Invitae), Labcorp
Classification: Uncertain significance. Last evaluated: 2023-01-07. Review status: criteria provided, single submitter. Criteria: Invitae Variant Classification Sherloc (09022015). Collection method: clinical testing. Allele origin: germline.
Comment: In summary, the available evidence is currently insufficient to determine the role of this variant in disease. Therefore, it has been classified as a Variant of Uncertain Significance. Variants that disrupt the consensus splice site are a relatively common cause of aberrant splicing (PMID: 17576681, 9536098). Algorithms developed to predict the effect of sequence changes on RNA splicing suggest that this variant is not likely to affect RNA splicing. This variant has not been reported in the literature in individuals affected with ARHGEF10-related conditions. This variant is not present in population databases (gnomAD no frequency). This sequence change falls in intron 14 of the ARHGEF10 gene. It does not directly change the encoded amino acid sequence of the ARHGEF10 protein. It affects a nucleotide within the consensus splice site.

Literature cited by the submitters: PubMed 17576681; PubMed 9536098.